The following is an entry in ClinVar:

NM_004260.4(RECQL4):c.737_738delinsTT (p.Ser246Ile)

Gene: RECQL4 (RecQ like helicase 4; minus strand). Cytogenetic location: 8q24.3.
Variant type: Indel.
Coding change: c.737_738delinsTT on transcript NM_004260.4 (MANE Select); coding-DNA positions 737 to 738, GC replaced by TT.
Protein change: p.Ser246Ile; replaces serine 246 with isoleucine.
Molecular consequence: missense variant. On other transcripts: 5 prime UTR variant (17), non-coding transcript variant (3).
Genome position (GRCh38, 1-based): chr8:144,516,381-144,516,382, GC replaced by AA on the plus strand (GC replaced by TT on the coding strand, the reverse complement: RECQL4 is on the minus strand). VCF-style: chr8-144516381-GC-AA. GRCh37 (hg19) VCF-style: chr8-145741765-GC-AA.
Other names: c.737_738delinsTT, p.Ser246Ile (NM_001413017.1, NM_001413018.1, NM_001413019.1 and 4 more transcripts); c.-335_-334delinsTT (NM_001413021.1, NM_001413022.1, NM_001413023.1 and 7 more transcripts); c.608_609delinsTT, p.Ser203Ile (NM_001413025.1); c.-397_-396delinsTT (NM_001413027.1, NM_001413030.1, NM_001413031.1 and 2 more transcripts); c.386_387delinsTT, p.Ser129Ile (NM_001413029.1); c.-239_-238delinsTT (NM_001413034.1); c.-604_-603delinsTT (NM_001413043.1); short protein forms S246I, S129I, S203I.
Identifiers: ClinVar variation 3014411 (VCV003014411.3), dbSNP rs2538091437, ClinGen allele CA2740090954.
Genomic context (GRCh38, chr8:144,516,381, plus strand): 5'-CTCGTTCCATCTCCGCTTCTCGCCTCCACTGCTGCTGGGCTGGGGGCTCCCCACACGGAT[GC>AA]TGACTTCTTGGAAGGCTGAAGCCTCTGGGCCCTGGGAGCCAGCACCAGGACCAAGGACAG-3'
Protein context (NP_004251.4, residues 236-256): GPEASAFQEV[Ser246Ile]IRVGSPQPSS

ClinVar aggregate classification (germline): Uncertain significance (1 of 4 stars; one submission).

Conditions:
Baller-Gerold syndrome (BGS). Also called: CRANIOSYNOSTOSIS WITH RADIAL DEFECTS. Identifiers: Orphanet 1225, MedGen C0265308, MONDO:0009039, OMIM 218600.

Submission:

Labcorp Genetics (formerly Invitae), Labcorp
Classification: Uncertain significance for Baller-Gerold syndrome. Last evaluated: 2023-10-27. Review status: criteria provided, single submitter. Criteria: Invitae Variant Classification Sherloc (09022015). Collection method: clinical testing. Allele origin: germline.
Comment: This sequence change replaces serine, which is neutral and polar, with isoleucine, which is neutral and non-polar, at codon 246 of the RECQL4 protein (p.Ser246Ile). Information on the frequency of this variant in the gnomAD database is not available, as this variant may be reported differently in the database. This variant has not been reported in the literature in individuals affected with RECQL4-related conditions. Experimental studies and prediction algorithms are not available or were not evaluated, and the functional significance of this variant is currently unknown. In summary, the available evidence is currently insufficient to determine the role of this variant in disease. Therefore, it has been classified as a Variant of Uncertain Significance.